The following is an entry in ClinVar:

ClinVar aggregate classification (germline): Uncertain significance (1 of 4 stars; one submission).

Submission:

GeneDx
Classification: Uncertain significance. Last evaluated: 2024-10-15. Review status: criteria provided, single submitter. Criteria: GeneDx Variant Classification Process June 2021. Collection method: clinical testing. Allele origin: germline. Affected: yes.
Comment: Not observed at significant frequency in large population cohorts (gnomAD); In silico analysis supports that this missense variant has a deleterious effect on protein structure/function; Has not been previously published as pathogenic or benign to our knowledge

NM_004068.4(AP2M1):c.95T>C (p.Phe32Ser)

Gene: AP2M1 (adaptor related protein complex 2 subunit mu 1; plus strand). Cytogenetic location: 3q27.1.
Variant type: single nucleotide variant.
Coding change: c.95T>C on transcript NM_004068.4 (MANE Select); coding-DNA position 95, T replaced by C.
Protein change: p.Phe32Ser; replaces phenylalanine 32 with serine.
Molecular consequence: missense variant.
Genome position (GRCh38, 1-based): chr3:184,178,877, T>C. VCF-style: chr3-184178877-T-C. GRCh37 (hg19) VCF-style: chr3-183896665-T-C.
Other names: c.95T>C, p.Phe32Ser (NM_001025205.2); c.170T>C, p.Phe57Ser (NM_001311198.2); short protein forms F32S, F57S.
Identifiers: ClinVar variation 3781162 (VCV003781162.1).
Genomic context (GRCh38, chr3:184,178,877, plus strand): 5'-CCTGGGTGCTGAGCAGGCCCTATGCACTCTTTTCCCTCAGGAGGAACGCAGTGGATGCCT[T>C]TCGGGTCAATGTTATCCATGCCCGGCAGCAGGTGCGCAGCCCCGTCACCAACATTGCTCG-3'
Protein context (NP_004059.2, residues 22-42): DDIGRNAVDA[Phe32Ser]RVNVIHARQQ